The following is an entry in ClinVar:

NM_015466.4(PTPN23):c.3029C>T (p.Pro1010Leu)

Gene: PTPN23 (protein tyrosine phosphatase non-receptor type 23; plus strand). Cytogenetic location: 3p21.31.
Variant type: single nucleotide variant.
Coding change: c.3029C>T on transcript NM_015466.4 (MANE Select); coding-DNA position 3029, C replaced by T.
Protein change: p.Pro1010Leu; replaces proline 1010 with leucine.
Molecular consequence: missense variant.
Genome position (GRCh38, 1-based): chr3:47,410,827, C>T. VCF-style: chr3-47410827-C-T. GRCh37 (hg19) VCF-style: chr3-47452317-C-T.
Other names: c.2651C>T, p.Pro884Leu (NM_001304482.2); short protein forms P1010L, P884L.
Identifiers: ClinVar variation 1416625 (VCV001416625.8), dbSNP rs763593737, ClinGen allele CA2366173.

ClinVar aggregate classification (germline): Uncertain significance (1 of 4 stars; one submission).

Allele frequency attached by ClinVar (database versions not stated): ExAC 0.00001; gnomAD 0.00001; gnomAD exomes 0.00001.
gnomAD v4.1: 12 of 1,601,400 alleles (0.00075%); highest among the groups gnomAD compares: East Asian, 0.0045%; no homozygotes.

Submission:

Labcorp Genetics (formerly Invitae), Labcorp
Classification: Uncertain significance. Last evaluated: 2025-07-21. Review status: criteria provided, single submitter. Criteria: Invitae Variant Classification Sherloc (09022015). Collection method: clinical testing. Allele origin: germline.
Comment: This sequence change replaces proline, which is neutral and non-polar, with leucine, which is neutral and non-polar, at codon 1010 of the PTPN23 protein (p.Pro1010Leu). This variant is present in population databases (rs763593737, gnomAD 0.003%). This variant has not been reported in the literature in individuals affected with PTPN23-related conditions. ClinVar contains an entry for this variant (Variation ID: 1416625). An algorithm developed to predict the effect of missense changes on protein structure and function outputs the following: PolyPhen-2: "Not Available". The leucine amino acid residue is found in multiple mammalian species, which suggests that this missense change does not adversely affect protein function. In summary, the available evidence is currently insufficient to determine the role of this variant in disease. Therefore, it has been classified as a Variant of Uncertain Significance.